The following is an entry in ClinVar:

NM_018897.3(DNAH7):c.9236T>G (p.Phe3079Cys)

Gene: DNAH7 (dynein axonemal heavy chain 7; minus strand). Cytogenetic location: 2q32.3.
Variant type: single nucleotide variant.
Coding change: c.9236T>G on transcript NM_018897.3 (MANE Select); coding-DNA position 9236, T replaced by G.
Protein change: p.Phe3079Cys; replaces phenylalanine 3079 with cysteine.
Molecular consequence: missense variant.
Genome position (GRCh38, 1-based): chr2:195,824,310, A>C on the plus strand (T>G on the coding strand, the complement: DNAH7 is on the minus strand). VCF-style: chr2-195824310-A-C. GRCh37 (hg19) VCF-style: chr2-196689034-A-C.
Other names: short protein forms F3079C.
Identifiers: ClinVar variation 2371525 (VCV002371525.4), dbSNP rs200464315, ClinGen allele CA2034432.

ClinVar aggregate classification (germline): Uncertain significance (1 of 4 stars; one submission).

Allele frequency attached by ClinVar (database versions not stated): gnomAD 0.00021; ExAC 0.00031; ESP Exome Variant Server 0.00042; TOPMed 0.00029; gnomAD exomes 0.00040.
gnomAD v4.1: 601 of 1,613,812 alleles (0.037%); highest among the groups gnomAD compares: Non-Finnish European, 0.049%; 1 homozygote.

Submission:

Ambry Genetics
Classification: Uncertain significance. Last evaluated: 2026-05-27. Review status: criteria provided, single submitter. Criteria: Ambry Variant Classification Scheme 2023. Collection method: clinical testing. Allele origin: germline.
Comment: The c.9236T>G (p.F3079C) alteration is located in exon 49 (coding exon 49) of the DNAH7 gene. This alteration results from a T to G substitution at nucleotide position 9236, causing the phenylalanine (F) at amino acid position 3079 to be replaced by a cysteine (C). Based on data from gnomAD, the G allele has an overall frequency of 0.026% (74/280642) total alleles studied. The highest observed frequency was 0.053% (68/128454) of European (non-Finnish) alleles. Based on insufficient or conflicting evidence, the clinical significance of this alteration remains unclear.